The following is an entry in ClinVar:

NM_004655.4(AXIN2):c.2401del (p.Tyr801fs)

Gene: AXIN2 (axin 2; minus strand). Cytogenetic location: 17q24.1.
Variant type: Deletion.
Coding change: c.2401del on transcript NM_004655.4 (MANE Select); coding-DNA position 2401, one base deleted (T; older notation c.2401delT).
Protein change: p.Tyr801fs; shifts the reading frame from tyrosine 801.
Molecular consequence: frameshift variant.
Genome position (GRCh38, 1-based): chr17:65,533,916, A deleted on the plus strand (T on the coding strand, the reverse complement: AXIN2 is on the minus strand); the first of 2 consecutive A bases (chr17:65,533,916-65,533,917); deleting either gives the same sequence. VCF-style (leftmost placement, unchanged base first): chr17-65533915-TA-T. GRCh37 (hg19) VCF-style: chr17-63530033-TA-T.
Other names: c.2206del, p.Tyr736fs (NM_001363813.1); short protein forms Y736fs, Y801fs.
Identifiers: ClinVar variation 2806780 (VCV002806780.3), dbSNP rs2509388317, ClinGen allele CA2739268315.

ClinVar aggregate classification (germline): Uncertain significance (1 of 4 stars; one submission).

Conditions:
Oligodontia-cancer predisposition syndrome. Also called: TOOTH AGENESIS-COLORECTAL CANCER SYNDROME. Identifiers: Orphanet 300576, MedGen C1837750, MONDO:0012075, OMIM 608615. Disease mechanism: loss of function.

Submission:

Labcorp Genetics (formerly Invitae), Labcorp
Classification: Uncertain significance for Oligodontia-cancer predisposition syndrome. Last evaluated: 2023-04-15. Review status: criteria provided, single submitter. Criteria: Invitae Variant Classification Sherloc (09022015). Collection method: clinical testing. Allele origin: germline.
Comment: This sequence change results in a frameshift in the AXIN2 gene (p.Tyr801Ilefs*60). While this is not anticipated to result in nonsense mediated decay, it is expected to disrupt the last 43 amino acid(s) of the AXIN2 protein and extend the protein by 16 additional amino acid residues. This variant is not present in population databases (gnomAD no frequency). In summary, the available evidence is currently insufficient to determine the role of this variant in disease. Therefore, it has been classified as a Variant of Uncertain Significance. This variant has not been reported in the literature in individuals affected with AXIN2-related conditions.